The following is an entry in ClinVar:

NM_000255.4(MMUT):c.1889G>A (p.Gly630Glu)

Gene: MMUT (methylmalonyl-CoA mutase; minus strand). Cytogenetic location: 6p12.3.
Variant type: single nucleotide variant.
Coding change: c.1889G>A on transcript NM_000255.4 (MANE Select); coding-DNA position 1889, G replaced by A.
Protein change: p.Gly630Glu; replaces glycine 630 with glutamic acid.
Molecular consequence: missense variant.
Genome position (GRCh38, 1-based): chr6:49,440,273, C>T on the plus strand (G>A on the coding strand, the complement: MMUT is on the minus strand). VCF-style: chr6-49440273-C-T. GRCh37 (hg19) VCF-style: chr6-49407986-C-T.
Other names: short protein forms G630E.
Identifiers: ClinVar variation 426995 (VCV000426995.18), dbSNP rs143023066, ClinGen allele CA3846717.

ClinVar aggregate classification (germline): Pathogenic/Likely pathogenic. Review status: criteria provided, multiple submitters, no conflicts (2 of 4 stars). 7 submissions from 7 submitters: Pathogenic (5); Likely pathogenic (1). 1 of the submissions does not count toward it. Last evaluated 2025-08-04.

Conditions:
Methylmalonic acidemia (MMA). Also called: Isolated Methylmalonic Acidemia. Identifiers: MedGen C0268583, MeSH C537358, MONDO:0002012, HP:0002912.
Methylmalonic aciduria due to complete methylmalonyl-CoA mutase deficiency.
Methylmalonic aciduria due to methylmalonyl-CoA mutase deficiency (MAMM). Also called: Methylmalonic aciduria, mut type. Identifiers: Orphanet 27, MedGen C1855114, MONDO:0009612, OMIM 251000.

Allele frequency attached by ClinVar (database versions not stated): ExAC 0.00001; gnomAD exomes 0.00001 and 0.00004; gnomAD 0.00003; TOPMed 0.00003; ESP Exome Variant Server 0.00008.
gnomAD v4.1: 59 of 1,613,946 alleles (0.0037%); highest among the groups gnomAD compares: Non-Finnish European, 0.0047%; no homozygotes.

Submissions (7):

Labcorp Genetics (formerly Invitae), Labcorp
Classification: Pathogenic. Last evaluated: 2025-08-04. Review status: criteria provided, single submitter. Criteria: Invitae Variant Classification Sherloc (09022015). Collection method: clinical testing. Allele origin: germline.
Comment: This sequence change replaces glycine, which is neutral and non-polar, with glutamic acid, which is acidic and polar, at codon 630 of the MUT protein (p.Gly630Glu). This variant is present in population databases (rs143023066, gnomAD 0.002%). This missense change has been observed in individual(s) with methylmalonic acidemia (PMID: 7912889, 17113806, 24865477, 27167370, 28811685). ClinVar contains an entry for this variant (Variation ID: 426995). Invitae Evidence Modeling of protein sequence and biophysical properties (such as structural, functional, and spatial information, amino acid conservation, physicochemical variation, residue mobility, and thermodynamic stability) indicates that this missense variant is expected to disrupt MUT protein function with a positive predictive value of 95%. Experimental studies have shown that this missense change affects MUT function (PMID: 7912889). For these reasons, this variant has been classified as Pathogenic.

Natera, Inc.
Classification: Pathogenic for Methylmalonic aciduria due to complete methylmalonyl-CoA mutase deficiency. Last evaluated: 2025-03-31. Review status: criteria provided, single submitter. Criteria: Natera Variant Classification Schema (03/2026). Collection method: clinical testing. Allele origin: germline.
Comment: The c.1889G>A variant in MMUT is a missense variant predicted to cause substitution of glycine to glutamic acid at amino acid 630. This variant is rare in the general population with a frequency below the threshold expected for the associated phenotype(s). This variant has been observed in one or more individuals affected with the associated recessive disease, as either homozygous or compound heterozygous with a second variant (PMID: 16281286). Computational prediction algorithms indicate this variant is likely to affect gene or protein function. Given the available evidence, this variant is classified as Pathogenic.

Women's Health and Genetics/Laboratory Corporation of America, LabCorp
Classification: Pathogenic for Methylmalonic acidemia. Last evaluated: 2022-02-14. Review status: criteria provided, single submitter. Criteria: LabCorp Variant Classification Summary - May 2015. Collection method: clinical testing. Allele origin: germline.
Comment: Variant summary: MUT c.1889G>A (p.Gly630Glu) results in a non-conservative amino acid change located in the Cobalamin (vitamin B12)-binding domain (IPR006158) of the encoded protein sequence. Five of five in-silico tools predict a damaging effect of the variant on protein function. The variant allele was found at a frequency of 1.2e-05 in 251524 control chromosomes (gnomAD and publication data). c.1889G>A has been reported in the literature in individuals affected with Methylmalonic Acidemia, including at least one homozygote (Crane_1994, Worgan_2006, Forny_2016, Kang_2019). These data indicate that the variant is likely to be associated with disease. At least one functional study reports experimental evidence evaluating an impact on protein function and this variant effect results in reducing enzymatic activity (Crane_1994). Three ClinVar submitters (evaluation after 2014) cite the variant as pathogenic (n=1) and likely pathogenic (n=2). Based on the evidence outlined above, the variant was classified as pathogenic.

Fulgent Genetics
Classification: Pathogenic for Methylmalonic aciduria due to methylmalonyl-CoA mutase deficiency. Last evaluated: 2021-12-11. Review status: criteria provided, single submitter. Criteria: ACMG Guidelines, 2015. Collection method: clinical testing. Allele origin: unknown.

GeneDx
Classification: Likely pathogenic. Last evaluated: 2016-09-30. Review status: criteria provided, single submitter. Criteria: GeneDx Variant Classification (06012015). Collection method: clinical testing. Allele origin: germline. Affected: yes.
Comment: The G630E missense likely pathogenic variant in the MUT gene has been reported previously in association with methylmalonic acidemia (MMA) (Crane, A. and Ledley, F., 1994). The G630E variant is a non-conservative amino acid substitution, which is likely to impact secondary protein structure as these residues differ in polarity, charge, size and/or other properties. This substitution occurs at a position that is conserved across species and in silico analysis predicts this variant is probably damaging to the protein structure/function. A missense variant in a nearby residue (V633G) has been reported in the Human Gene Mutation Database in association with MMA (Stenson et al., 2014), supporting the functional importance of this region of the protein. Therefore, this variant is likely pathogenic; however, the possibility that it is benign cannot be excluded

Juno Genomics, Hangzhou Juno Genomics, Inc
Classification: Pathogenic for Methylmalonic aciduria due to methylmalonyl-CoA mutase deficiency. Review status: criteria provided, single submitter. Criteria: ACMG Guidelines, 2015. Collection method: clinical testing. Allele origin: germline.
Comment: Absent from controls (or at extremely low frequency if recessive) in Genome Aggregation Database.;Multiple lines of computational evidence support a deleterious effect on the gene or gene product.;For recessive disorders, detected in trans with a pathogenic variant.;Patient's phenotype or family history is highly specific for a disease with a single genetic etiology.

Counsyl
Classification: Likely pathogenic for Methylmalonic aciduria due to methylmalonyl-CoA mutase deficiency. Last evaluated: 2017-04-25. Review status: no assertion criteria provided. Collection method: clinical testing. Allele origin: unknown. Not counted in ClinVar's aggregate classification.

Literature cited by the submitters: PubMed 7912889 (cited by 3 submitters); PubMed 17113806 (cited by Labcorp Genetics (formerly Invitae), Labcorp and Counsyl); PubMed 24865477 (cited by Labcorp Genetics (formerly Invitae), Labcorp and Counsyl); PubMed 27167370 (cited by Labcorp Genetics (formerly Invitae), Labcorp and Women's Health and Genetics/Laboratory Corporation of America, LabCorp); PubMed 28811685 (cited by Labcorp Genetics (formerly Invitae), Labcorp); PubMed 16281286 (cited by 3 submitters); PubMed 25087612 (cited by Women's Health and Genetics/Laboratory Corporation of America, LabCorp); PubMed 15643616 (cited by Women's Health and Genetics/Laboratory Corporation of America, LabCorp); PubMed 31622506 (cited by Women's Health and Genetics/Laboratory Corporation of America, LabCorp); PubMed 8880917 (cited by Counsyl).